The following is an entry in ClinVar:

NM_020207.7(ERCC6L2):c.1378G>A (p.Ala460Thr)

Gene: ERCC6L2 (ERCC excision repair 6 like 2; plus strand). Cytogenetic location: 9q22.32.
Variant type: single nucleotide variant.
Coding change: c.1378G>A on transcript NM_020207.7 (MANE Select); coding-DNA position 1378, G replaced by A.
Protein change: p.Ala460Thr; replaces alanine 460 with threonine.
Molecular consequence: missense variant. On other transcripts: non-coding transcript variant (1).
Genome position (GRCh38, 1-based): chr9:95,922,383, G>A. VCF-style: chr9-95922383-G-A. GRCh37 (hg19) VCF-style: chr9-98684665-G-A.
Other names: c.1378G>A, p.Ala460Thr (NM_001010895.4, NM_001375291.1, NM_001375292.1 and 2 more transcripts); c.1411G>A (NM_001010895.2); short protein forms A460T.
Identifiers: ClinVar variation 1437558 (VCV001437558.9), dbSNP rs200558009, ClinGen allele CA5139542.
Genomic context (GRCh38, chr9:95,922,383, plus strand): 5'-ACAGTGAAAACCTTGTATCTCAGTTACCTTACAGTCCTTCAGAAGGTAGCTAACCATGTC[G>A]CGCTACTGCAAGCTGCTAGTACTTCCAAACAACAGGTTTGGTTAGCATTTTACATTTCTT-3'
Protein context (NP_064592.3, residues 450-470): TVLQKVANHV[Ala460Thr]LLQAASTSKQ

ClinVar aggregate classification (germline): Uncertain significance. Review status: criteria provided, multiple submitters, no conflicts (2 of 4 stars). 3 submissions from 3 submitters: Uncertain significance (3). Last evaluated 2025-04-28.

Conditions:
Inborn genetic diseases. Identifiers: MedGen C0950123, MeSH D030342.

Allele frequency attached by ClinVar (database versions not stated): gnomAD exomes 0.00002 and 0.00005; gnomAD 0.00003; TOPMed 0.00003; ExAC 0.00006.
gnomAD v4.1: 36 of 1,612,886 alleles (0.0022%); highest among the groups gnomAD compares: South Asian, 0.022%; no homozygotes.

Submissions (3):

Labcorp Genetics (formerly Invitae), Labcorp
Classification: Uncertain significance. Last evaluated: 2025-04-28. Review status: criteria provided, single submitter. Criteria: Invitae Variant Classification Sherloc (09022015). Collection method: clinical testing. Allele origin: germline.
Comment: This sequence change replaces alanine, which is neutral and non-polar, with threonine, which is neutral and polar, at codon 471 of the ERCC6L2 protein (p.Ala471Thr). This variant is present in population databases (rs200558009, gnomAD 0.02%). This variant has not been reported in the literature in individuals affected with ERCC6L2-related conditions. ClinVar contains an entry for this variant (Variation ID: 1437558). Experimental studies and prediction algorithms are not available or were not evaluated, and the functional significance of this variant is currently unknown. In summary, the available evidence is currently insufficient to determine the role of this variant in disease. Therefore, it has been classified as a Variant of Uncertain Significance.

Blueprint Genetics
Classification: Uncertain significance. Last evaluated: 2023-11-14. Review status: criteria provided, single submitter. Criteria: ACMG Guidelines, 2015. Collection method: clinical testing. Allele origin: germline.

Ambry Genetics
Classification: Uncertain significance for Inborn genetic diseases. Last evaluated: 2023-07-25. Review status: criteria provided, single submitter. Criteria: Ambry Variant Classification Scheme 2023. Collection method: clinical testing. Allele origin: germline.